The following is an entry in ClinVar:

NM_000057.4(BLM):c.3911G>A (p.Ser1304Asn)

Gene: BLM (BLM RecQ like helicase; plus strand). Cytogenetic location: 15q26.1.
Variant type: single nucleotide variant.
Coding change: c.3911G>A on transcript NM_000057.4 (MANE Select); coding-DNA position 3911, G replaced by A.
Protein change: p.Ser1304Asn; replaces serine 1304 with asparagine.
Molecular consequence: missense variant.
Genome position (GRCh38, 1-based): chr15:90,811,241, G>A. VCF-style: chr15-90811241-G-A. GRCh37 (hg19) VCF-style: chr15-91354471-G-A.
Other names: c.3911G>A, p.Ser1304Asn (NM_001287246.2); c.3518G>A, p.Ser1173Asn (NM_001287247.2); c.2786G>A, p.Ser929Asn (NM_001287248.2); short protein forms S929N, S1304N, S1173N.
Identifiers: ClinVar variation 3660438 (VCV003660438.2).

ClinVar aggregate classification (germline): Uncertain significance (1 of 4 stars; one submission).

Conditions:
Bloom syndrome (BLM). Also called: Bloom-Torre-Machacek syndrome. Identifiers: Orphanet 125, MedGen C0005859, MONDO:0008876, OMIM 210900.

gnomAD v4.1: 1 of 1,613,922 alleles (0.000062%); highest among the groups gnomAD compares: South Asian, 0.0011%; no homozygotes.

Submission:

Labcorp Genetics (formerly Invitae), Labcorp
Classification: Uncertain significance for Bloom syndrome. Last evaluated: 2024-07-24. Review status: criteria provided, single submitter. Criteria: Invitae Variant Classification Sherloc (09022015). Collection method: clinical testing. Allele origin: germline.
Comment: This sequence change replaces serine, which is neutral and polar, with asparagine, which is neutral and polar, at codon 1304 of the BLM protein (p.Ser1304Asn). This variant is not present in population databases (gnomAD no frequency). This variant has not been reported in the literature in individuals affected with BLM-related conditions. Advanced modeling of protein sequence and biophysical properties (such as structural, functional, and spatial information, amino acid conservation, physicochemical variation, residue mobility, and thermodynamic stability) performed at Invitae indicates that this missense variant is not expected to disrupt BLM protein function with a negative predictive value of 80%. In summary, the available evidence is currently insufficient to determine the role of this variant in disease. Therefore, it has been classified as a Variant of Uncertain Significance.